The following is an entry in ClinVar:

NM_001163435.3(TBCK):c.2020G>A (p.Gly674Ser)

Gene: TBCK (TBC1 domain containing kinase; minus strand). Cytogenetic location: 4q24.
Variant type: single nucleotide variant.
Coding change: c.2020G>A on transcript NM_001163435.3 (MANE Select); coding-DNA position 2020, G replaced by A.
Protein change: p.Gly674Ser; replaces glycine 674 with serine.
Molecular consequence: missense variant.
Genome position (GRCh38, 1-based): chr4:106,193,648, C>T on the plus strand (G>A on the coding strand, the complement: TBCK is on the minus strand). VCF-style: chr4-106193648-C-T. GRCh37 (hg19) VCF-style: chr4-107114805-C-T.
Other names: c.2020G>A, p.Gly674Ser (NM_001163436.4); c.1903G>A, p.Gly635Ser (NM_001163437.3); c.1504G>A, p.Gly502Ser (NM_001290768.2); c.1831G>A, p.Gly611Ser (NM_033115.5); c.2020G>A (NM_001163435.2); short protein forms G502S, G635S, G674S, G611S.
Identifiers: ClinVar variation 1384075 (VCV001384075.4), dbSNP rs1753899198, ClinGen allele CA357821241.

ClinVar aggregate classification (germline): Uncertain significance. Review status: criteria provided, multiple submitters, no conflicts (2 of 4 stars). 2 submissions from 2 submitters: Uncertain significance (2). Last evaluated 2026-03-26.

Allele frequency attached by ClinVar (database versions not stated): gnomAD exomes below 0.00001; TOPMed below 0.00001.
gnomAD v4.1: 1 of 1,613,532 alleles (0.000062%); highest among the groups gnomAD compares: Non-Finnish European, 0.000085%; no homozygotes.

Submissions (2):

GeneDx
Classification: Uncertain significance. Last evaluated: 2026-03-26. Review status: criteria provided, single submitter. Criteria: GeneDx Variant Classification Process June 2021. Collection method: clinical testing. Allele origin: germline.
Comment: Not observed at significant frequency in large population cohorts (gnomAD); In silico analysis supports that this missense variant has a deleterious effect on protein structure/function; Has not been previously published as pathogenic or benign to our knowledge

Labcorp Genetics (formerly Invitae), Labcorp
Classification: Uncertain significance. Last evaluated: 2022-07-12. Review status: criteria provided, single submitter. Criteria: Invitae Variant Classification Sherloc (09022015). Collection method: clinical testing. Allele origin: germline.
Comment: This sequence change replaces glycine, which is neutral and non-polar, with serine, which is neutral and polar, at codon 674 of the TBCK protein (p.Gly674Ser). This variant is not present in population databases (gnomAD no frequency). This variant has not been reported in the literature in individuals affected with TBCK-related conditions. ClinVar contains an entry for this variant (Variation ID: 1384075). Algorithms developed to predict the effect of missense changes on protein structure and function are either unavailable or do not agree on the potential impact of this missense change (SIFT: "Tolerated"; PolyPhen-2: "Possibly Damaging"; Align-GVGD: "Class C0"). Algorithms developed to predict the effect of sequence changes on RNA splicing suggest that this variant may create or strengthen a splice site. In summary, the available evidence is currently insufficient to determine the role of this variant in disease. Therefore, it has been classified as a Variant of Uncertain Significance.